The following is an entry in ClinVar:

NC_000010.10:g.(?_88598623)_(88659893_?)dup

Gene: BMPR1A (bone morphogenetic protein receptor type 1A; plus strand). Cytogenetic location: 10q23.2.
Variant type: Duplication.
Identifiers: ClinVar variation 1449795 (VCV001449795.5).

ClinVar aggregate classification (germline): Uncertain significance (1 of 4 stars; one submission).

Conditions:
Juvenile polyposis syndrome (JPS). Identifiers: Orphanet 2929, MedGen C0345893, MONDO:0017380, OMIM 174900.

Submission:

Labcorp Genetics (formerly Invitae), Labcorp
Classification: Uncertain significance for Juvenile polyposis syndrome. Last evaluated: 2021-09-08. Review status: criteria provided, single submitter. Criteria: Invitae Variant Classification Sherloc (09022015). Collection method: clinical testing. Allele origin: germline.
Comment: In summary, the available evidence is currently insufficient to determine the role of this variant in disease. Therefore, it has been classified as a Variant of Uncertain Significance. Experimental studies and prediction algorithms are not available or were not evaluated, and the functional significance of this variant is currently unknown. This variant has not been reported in the literature in individuals affected with BMPR1A-related conditions. This variant results in a copy number gain of the genomic region encompassing exon(s) 2-7 of the BMPR1A gene. This region includes the initiator codon of the gene. This copy number gain extends beyond the assayed region for this gene and therefore may encompass additional genes. As the precise location of this event is unknown, it may be in tandem or it may be located elsewhere in the genome.